The following is an entry in ClinVar:

ClinVar aggregate classification (germline): Uncertain significance (1 of 4 stars; one submission).

Conditions:
Monogenic diabetes. Identifiers: Orphanet 183625, MedGen C3888631, MONDO:0015967.

Allele frequency attached by ClinVar (database versions not stated): gnomAD exomes below 0.00001.
gnomAD v4.1: 3 of 1,612,542 alleles (0.00019%); highest among the groups gnomAD compares: East Asian, 0.0022%; no homozygotes.

Submission:

Personalized Diabetes Medicine Program, University of Maryland School of Medicine
Classification: Uncertain significance for Monogenic diabetes. Last evaluated: 2018-03-04. Review status: criteria provided, single submitter. Criteria: ACMG Guidelines, 2015. Collection method: research. Allele origin: unknown. Observed: 1 variant allele, 1 heterozygote.
Comment: ACMG criteria: PP3 (7 predictors), BP4 (3 predictors), PM2 (absent in database)=VUS

NM_173560.4(RFX6):c.878A>C (p.His293Pro)

Gene: RFX6 (regulatory factor X6; plus strand). Cytogenetic location: 6q22.1.
Variant type: single nucleotide variant.
Coding change: c.878A>C on transcript NM_173560.4 (MANE Select); coding-DNA position 878, A replaced by C.
Protein change: p.His293Pro; replaces histidine 293 with proline.
Molecular consequence: missense variant.
Genome position (GRCh38, 1-based): chr6:116,916,220, A>C. VCF-style: chr6-116916220-A-C. GRCh37 (hg19) VCF-style: chr6-117237383-A-C.
Other names: short protein forms H293P.
Identifiers: ClinVar variation 917473 (VCV000917473.1), dbSNP rs1775460105, ClinGen allele CA365432446.
Genomic context (GRCh38, chr6:116,916,220, plus strand): 5'-TAAAGAAAAAAATCTTAACATACTTTTTACTCTGCAACTAGATCCAGCATTTTTTATTAC[A>C]CTTTTGGCAAGGAATGCCTGACCATCTCCTTCCCCTGCTCGAAAATCCTGTTATCATTGA-3'
Protein context (NP_775831.2, residues 283-303): NFEEIQHFLL[His293Pro]FWQGMPDHLL